The following is an entry in ClinVar:

ClinVar aggregate classification (germline): Conflicting classifications of pathogenicity. Review status: criteria provided, conflicting classifications (1 of 4 stars). 5 submissions from 5 submitters: Likely pathogenic (3); Uncertain significance (1). 1 of the submissions does not count toward it. Last evaluated 2024-03-05.

Conditions:
Trichorhinophalangeal syndrome, type III (TRPS3). Also called: SUGIO-KAJII SYNDROME. Identifiers: Orphanet 77258, MedGen C1860823, OMIM 190351, MONDO:0008597.
Trichorhinophalangeal dysplasia type I (TRPS1). Also called: TRPS I; TRICHORHINOPHALANGEAL SYNDROME, TYPE I. Identifiers: Orphanet 77258, MedGen C0432233, MONDO:0008596, OMIM 190350.
Metaphyseal chondrodysplasia. Also called: Metaphyseal chondrodysplasia (disease). Identifiers: MedGen C0265290, MONDO:0000138, HP:0005871.

Submissions (5):

Petrovsky National Research Centre of Surgery, The Federal Agency for Scientific Organizations
Classification: Likely pathogenic for metaphyseal chondrodysplasia. Last evaluated: 2024-03-05. Review status: criteria provided, single submitter. Criteria: ACMG Guidelines, 2015. Collection method: clinical testing. Allele origin: germline. Affected: yes. Observed: 1 heterozygote.
Comment: This variant is absent in The Genome Aggregation Database (gnomAD) v2.1.1 and v4.0.0 (Date of access with 04-03-2024). Clinvar contains an entry for this variant (Variation ID: 438461). This variant has been reported in 3 publications in patients with variable phenotypes (PMID: 31502745, 28426188, 25792522). This variants is located in zinc finger domain GATA-type AA 896-920 and alternative change NM_014112:c.2731A>T (p.Asn911Tyr) have been classified as Likely Pathogenic (ACMG: PM1, PM2, PP3, PP5). Most in silico predictors show pathogenic result of the protein change. In accordance with ACMG(2015) this variant is classified as Likely Pathogenic with following criteria selected: PM1, PM2, PM5_supporting, PM6, PP3, PP5.

Labcorp Genetics (formerly Invitae), Labcorp
Classification: Likely pathogenic for Trichorhinophalangeal syndrome, type III; Trichorhinophalangeal dysplasia type I. Last evaluated: 2022-07-18. Review status: criteria provided, single submitter. Criteria: Invitae Variant Classification Sherloc (09022015). Collection method: clinical testing. Allele origin: germline.
Comment: This missense change has been observed in individuals with clinical features of tricho-rhino-phalangeal syndrome (PMID: 25792522; Invitae). It has also been observed to segregate with disease in related individuals. In summary, the currently available evidence indicates that the variant is pathogenic, but additional data are needed to prove that conclusively. Therefore, this variant has been classified as Likely Pathogenic. This variant disrupts the p.Asn911 amino acid residue in TRPS1. Other variant(s) that disrupt this residue have been observed in individuals with TRPS1-related conditions (PMID: 25792522), which suggests that this may be a clinically significant amino acid residue. Algorithms developed to predict the effect of sequence changes on RNA splicing suggest that this variant may create or strengthen a splice site. Algorithms developed to predict the effect of missense changes on protein structure and function are either unavailable or do not agree on the potential impact of this missense change (SIFT: "Deleterious"; PolyPhen-2: "Probably Damaging"; Align-GVGD: "Class C0"). ClinVar contains an entry for this variant (Variation ID: 438461). This variant is not present in population databases (gnomAD no frequency). This sequence change replaces asparagine, which is neutral and polar, with serine, which is neutral and polar, at codon 911 of the TRPS1 protein (p.Asn911Ser).

3billion
Classification: Likely pathogenic for Trichorhinophalangeal syndrome, type III. Last evaluated: 2022-05-22. Review status: criteria provided, single submitter. Criteria: ACMG Guidelines, 2015. Collection method: clinical testing. Allele origin: germline. Affected: yes. Observed: 1 heterozygote.
Comment: The variant is not observed in the gnomAD v2.1.1 dataset. In silico tool predictions suggest damaging effect of the variant on gene or gene product (REVEL: 0.79; 3Cnet: 0.49). Same nucleotide change resulting in same amino acid change (ClinVar ID: VCV000438461 / PMID: 25792522) and a different missense change at the same codon (p.Asn911Tyr, ClinVar ID: VCV000438460 / PMID: 25792522) have been previously reported to be associated with TRPS1 related disorder. Therefore, this variant is classified as likely pathogenic according to the recommendation of ACMG/AMP guideline.

Juno Genomics, Hangzhou Juno Genomics, Inc
Classification: Uncertain significance for Trichorhinophalangeal dysplasia type I; Trichorhinophalangeal syndrome, type III. Review status: criteria provided, single submitter. Criteria: ACMG Guidelines, 2015. Collection method: clinical testing. Allele origin: germline. Affected: yes.
Comment: Absent from controls (or at extremely low frequency if recessive) in Genome Aggregation Database, Exome Sequencing Project, 1000 Genomes Project, or Exome Aggregation Consortium.;Multiple lines of computational evidence support a deleterious effect on the gene or gene product (conservation, evolutionary, splicing impact, etc).;Assumed de novo, but without confirmation of paternity and maternity.;The prevalence of the variant in affected individuals is significantly increased compared to the prevalence in controls.;Patient's phenotype or family history is highly specific for a disease with a single genetic etiology.

GeneReviews
No classification provided. Condition: Trichorhinophalangeal dysplasia type I. Review status: no classification provided. Collection method: literature only. Allele origin: germline. Not counted in ClinVar's aggregate classification.

Literature cited by the submitters: PubMed 31502745 (cited by Petrovsky National Research Centre of Surgery, The Federal Agency for Scientific Organizations); PubMed 28426188 (cited by Petrovsky National Research Centre of Surgery, The Federal Agency for Scientific Organizations); PubMed 25792522 (cited by 4 submitters); NCBI Bookshelf NBK425926 (cited by GeneReviews).

NM_014112.5(TRPS1):c.2732A>G (p.Asn911Ser)

Gene: TRPS1 (transcriptional repressor GATA binding 1; minus strand). Cytogenetic location: 8q23.3.
Variant type: single nucleotide variant.
Coding change: c.2732A>G on transcript NM_014112.5 (MANE Select); coding-DNA position 2732, A replaced by G.
Protein change: p.Asn911Ser; replaces asparagine 911 with serine.
Molecular consequence: missense variant.
Genome position (GRCh38, 1-based): chr8:115,418,421, T>C on the plus strand (A>G on the coding strand, the complement: TRPS1 is on the minus strand). VCF-style: chr8-115418421-T-C. GRCh37 (hg19) VCF-style: chr8-116430649-T-C.
Other names: c.2705A>G, p.Asn902Ser (NM_001282902.3); c.2711A>G, p.Asn904Ser (NM_001282903.3); c.2693A>G, p.Asn898Ser (NM_001330599.2); short protein forms N911S, N902S, N904S, N898S.
Identifiers: ClinVar variation 438461 (VCV000438461.17), dbSNP rs1554617580, ClinGen allele CA372064367.
Genomic context (GRCh38, chr8:115,418,421, plus strand): 5'-TTGCATACATATCCGCCATTTGCATTCTTTCGCCAGAGAGAGGTCTTTGTGGTCAGGCAA[T>C]TGGCACAAAAAACACCGGAGCCTCTACGCCTCTGAAACAGGGGAAAAAAACCAAGGTCAG-3'
Protein context (NP_054831.2, residues 901-921): RRRGSGVFCA[Asn911Ser]CLTTKTSLWR